The following is an entry in ClinVar:

NM_000059.4(BRCA2):c.6026A>G (p.Gln2009Arg)

Gene: BRCA2 (BRCA2 DNA repair associated; plus strand). Cytogenetic location: 13q13.1.
Variant type: single nucleotide variant.
Coding change: c.6026A>G on transcript NM_000059.4 (MANE Select); coding-DNA position 6026, A replaced by G.
Protein change: p.Gln2009Arg; replaces glutamine 2009 with arginine.
Molecular consequence: missense variant.
Genome position (GRCh38, 1-based): chr13:32,340,381, A>G. VCF-style: chr13-32340381-A-G. GRCh37 (hg19) VCF-style: chr13-32914518-A-G.
Other names: short protein forms Q2009R.
Identifiers: ClinVar variation 628490 (VCV000628490.12), dbSNP rs1285547765, ClinGen allele CA387787768.

ClinVar aggregate classification (germline): Conflicting classifications of pathogenicity. Review status: criteria provided, conflicting classifications (1 of 4 stars). 3 submissions from 3 submitters: Uncertain significance (2); Likely benign (1). Last evaluated 2023-03-23.

Conditions:
Hereditary cancer-predisposing syndrome. Also called: Neoplastic Syndromes, Hereditary; Tumor predisposition; Hereditary neoplastic syndrome; Hereditary Cancer Syndrome. Identifiers: Orphanet 140162, MedGen C0027672, MeSH D009386, MONDO:0015356.
Hereditary breast ovarian cancer syndrome. Also called: Hereditary breast and ovarian cancer syndrome; Hereditary breast and ovarian cancer; Hereditary breast and ovarian cancer syndrome (HBOC); Breast and ovarian cancer; Hereditary breast and/or ovarian cancer syndrome; BRCA1- and BRCA2-Associated Hereditary Breast and Ovarian Cancer. Identifiers: Orphanet 145, MedGen C0677776, MeSH D061325, MONDO:0003582. Disease mechanism: loss of function.

Submissions (3):

University of Washington Department of Laboratory Medicine, University of Washington
Classification: Likely benign for Hereditary cancer-predisposing syndrome. Last evaluated: 2023-03-23. Review status: criteria provided, single submitter. Criteria: Dines et al. (Genet Med. 2020). Collection method: curation. Allele origin: germline.
Comment: Missense variant in a coldspot region where missense variants are very unlikely to be pathogenic (PMID:31911673).

BRCA2 exon 11 coldspot. Reclassification based on statistical prior probability.

Labcorp Genetics (formerly Invitae), Labcorp
Classification: Uncertain significance for Hereditary breast ovarian cancer syndrome. Last evaluated: 2021-12-05. Review status: criteria provided, single submitter. Criteria: Invitae Variant Classification Sherloc (09022015). Collection method: clinical testing. Allele origin: germline.
Comment: Advanced modeling of protein sequence and biophysical properties (such as structural, functional, and spatial information, amino acid conservation, physicochemical variation, residue mobility, and thermodynamic stability) performed at Invitae indicates that this missense variant is not expected to disrupt BRCA2 protein function. In summary, the available evidence is currently insufficient to determine the role of this variant in disease. Therefore, it has been classified as a Variant of Uncertain Significance. This sequence change replaces glutamine, which is neutral and polar, with arginine, which is basic and polar, at codon 2009 of the BRCA2 protein (p.Gln2009Arg). This variant is not present in population databases (gnomAD no frequency). This variant has not been reported in the literature in individuals affected with BRCA2-related conditions. ClinVar contains an entry for this variant (Variation ID: 628490).

Color Diagnostics, LLC DBA Color Health
Classification: Uncertain significance for Hereditary cancer-predisposing syndrome. Last evaluated: 2019-05-30. Review status: criteria provided, single submitter. Criteria: ACMG Guidelines, 2015. Collection method: clinical testing. Allele origin: germline.